The following is an entry in ClinVar:

NM_000256.3(MYBPC3):c.3018C>G (p.Thr1006=)

Gene: MYBPC3 (myosin binding protein C3; minus strand). Cytogenetic location: 11p11.2.
Variant type: single nucleotide variant.
Coding change: c.3018C>G on transcript NM_000256.3 (MANE Select); coding-DNA position 3018, C replaced by G.
Protein change: p.Thr1006=; no amino-acid change (threonine 1006 retained).
Molecular consequence: synonymous variant.
Genome position (GRCh38, 1-based): chr11:47,333,729, G>C on the plus strand (C>G on the coding strand, the complement: MYBPC3 is on the minus strand). VCF-style: chr11-47333729-G-C. GRCh37 (hg19) VCF-style: chr11-47355280-G-C.
Identifiers: ClinVar variation 1331793 (VCV001331793.15), dbSNP rs2095879689, ClinGen allele CA474429289.

ClinVar aggregate classification (germline): Likely benign. Review status: criteria provided, multiple submitters, no conflicts (2 of 4 stars). 4 submissions from 4 submitters: Likely benign (4). Last evaluated 2025-03-20.

Conditions:
Hypertrophic cardiomyopathy. Also called: HYPERTROPHIC MYOCARDIOPATHY. Identifiers: Orphanet 217569, MedGen C0007194, MeSH D002312, MONDO:0005045, HP:0001639.
Cardiovascular phenotype. Identifiers: MedGen CN230736.
Cardiomyopathy (CMYO). Also called: Cardiomyopathies. Identifiers: Orphanet 167848, MedGen C0878544, MONDO:0004994, HP:0001638. Inheritance: Various modes of inheritance.

Allele frequency attached by ClinVar (database versions not stated): gnomAD 0.00001.
gnomAD v4.1: 2 of 1,604,796 alleles (0.00012%); highest among the groups gnomAD compares: Admixed American, 0.0017%; no homozygotes.

Submissions (4):

Labcorp Genetics (formerly Invitae), Labcorp
Classification: Likely benign for Hypertrophic cardiomyopathy. Last evaluated: 2025-03-20. Review status: criteria provided, single submitter. Criteria: Invitae Variant Classification Sherloc (09022015). Collection method: clinical testing. Allele origin: germline.

All of Us Research Program, National Institutes of Health
Classification: Likely benign for Hypertrophic cardiomyopathy. Last evaluated: 2023-05-30. Review status: criteria provided, single submitter. Criteria: ACMG Guidelines, 2015. Collection method: clinical testing. Allele origin: germline. Inheritance: Autosomal dominant inheritance. Observed: 1 variant allele, 1 heterozygote.
Comment: This study involves interpretation of variants in research participants for the purpose of population health screening. Participant phenotype was not available at the time of variant classification. Additional details can be found in publication PMID: 35346344, PMCID: PMC8962531

Ambry Genetics
Classification: Likely benign for Cardiovascular phenotype. Last evaluated: 2023-04-28. Review status: criteria provided, single submitter. Criteria: Ambry Variant Classification Scheme 2023. Collection method: clinical testing. Allele origin: germline.

Color Diagnostics, LLC DBA Color Health
Classification: Likely benign for Cardiomyopathy. Last evaluated: 2021-07-26. Review status: criteria provided, single submitter. Criteria: ACMG Guidelines, 2015. Collection method: clinical testing. Allele origin: germline.